The following is an entry in ClinVar:

ClinVar aggregate classification (germline): Likely pathogenic (1 of 4 stars; one submission).

Conditions:
Neurofibromatosis, type 1 (NF1). Also called: VON RECKLINGHAUSEN DISEASE; Neurofibromatosis, type I; NEUROFIBROMATOSIS, TYPE I, SOMATIC; Peripheral type neurofibromatosis. Identifiers: Orphanet 636, MedGen C0027831, MONDO:0018975, OMIM 162200. Disease mechanism: loss of function.

Submission:

3billion
Classification: Likely pathogenic for Neurofibromatosis, type 1. Last evaluated: 2025-02-23. Review status: criteria provided, single submitter. Criteria: ACMG Guidelines, 2015. Collection method: clinical testing. Allele origin: germline. Affected: yes.
Comment: The variant is not observed in the gnomAD v4.1.0 dataset. Predicted Consequence/Location: Canonical splice site: predicted to alter splicing and result in a loss or disruption of normal protein function. Multiple pathogenic loss-of-function variants are reported downstream of the variant. In silico tools predict the variant to alter splicing and produce an abnormal transcript [SpliceAI: 1.00 (spliceogenicity >=0.2, non-spliceogenicity <0.1)]. Therefore, this variant is classified as Likely pathogenic according to the recommendation of ACMG/AMP guideline.

NM_001042492.3(NF1):c.1393-1_1412del

Gene: NF1 (neurofibromin 1; plus strand). Cytogenetic location: 17q11.2.
Variant type: Deletion.
Coding change: c.1393-1_1412del on transcript NM_001042492.3 (MANE Select); the canonical splice acceptor site of the intron before coding-DNA position 1393 through coding-DNA position 1412, 21 bases deleted (GAGTCTTACATTTAAAGAAAA).
Molecular consequence: splice acceptor variant.
Genome position (GRCh38, 1-based): chr17:31,214,450-31,214,470, GAGTCTTACATTTAAAGAAAA deleted; deleting any 21 consecutive bases within chr17:31,214,449-31,214,470 gives the same sequence; the c. name uses the placement nearest the transcript's 3' end. VCF-style (leftmost placement, unchanged base first): chr17-31214448-TAGAGTCTTACATTTAAAGAAA-T. GRCh37 (hg19) VCF-style: chr17-29541466-TAGAGTCTTACATTTAAAGAAA-T.
Other names: c.1393-1_1412del (NM_000267.4, NM_001128147.3).
Identifiers: ClinVar variation 4292024 (VCV004292024.1).
Genomic context (GRCh38, chr17:31,214,448, plus strand): 5'-AAAGGTTGGATAGCTATTATCCTGAGTCTTATGTCTGATACCATGTTTTTGTTTTGTTTT[TAGAGTCTTACATTTAAAGAAA>T]AAGTAACAAGCCTTAAATTTAAAGAAAAACCTACAGACCTGGAGACAAGAAGCTATAAGT-3'